The following is an entry in ClinVar:

NM_001134407.3(GRIN2A):c.3896C>G (p.Pro1299Arg)

Gene: GRIN2A (glutamate ionotropic receptor NMDA type subunit 2A; minus strand). Cytogenetic location: 16p13.2.
Variant type: single nucleotide variant.
Coding change: c.3896C>G on transcript NM_001134407.3 (MANE Select); coding-DNA position 3896, C replaced by G.
Protein change: p.Pro1299Arg; replaces proline 1299 with arginine.
Molecular consequence: missense variant. On other transcripts: intron variant (1).
Genome position (GRCh38, 1-based): chr16:9,763,648, G>C on the plus strand (C>G on the coding strand, the complement: GRIN2A is on the minus strand). VCF-style: chr16-9763648-G-C. GRCh37 (hg19) VCF-style: chr16-9857505-G-C.
Other names: c.3896C>G, p.Pro1299Arg (NM_000833.5); c.3772+124C>G (NM_001134408.2); short protein forms P1299R.
Identifiers: ClinVar variation 1028880 (VCV001028880.1), dbSNP rs1156972587, ClinGen allele CA394706605.

ClinVar aggregate classification (germline): Uncertain significance (1 of 4 stars; one submission).

Conditions:
Landau-Kleffner syndrome (FESD). Also called: APHASIA, ACQUIRED, WITH EPILEPSY; EPILEPSY, FOCAL, WITH SPEECH DISORDER AND WITH OR WITHOUT MENTAL RETARDATION. Identifiers: Orphanet 1945, Orphanet 725, Orphanet 98818, MedGen C0282512, MONDO:0009509, OMIM 245570.

Submission:

Baylor Genetics
Classification: Uncertain significance for Landau-Kleffner syndrome. Last evaluated: 2020-05-05. Review status: criteria provided, single submitter. Criteria: ACMG Guidelines, 2015. Collection method: clinical testing. Allele origin: unknown. Affected: yes.
Comment: This variant was determined to be of uncertain significance according to ACMG Guidelines, 2015 [PMID:25741868].